The following is an entry in ClinVar:

NM_001243133.2(NLRP3):c.530G>A (p.Ser177Asn)

Gene: NLRP3 (NLR family pyrin domain containing 3; plus strand). Cytogenetic location: 1q44.
Variant type: single nucleotide variant.
Coding change: c.530G>A on transcript NM_001243133.2 (MANE Select); coding-DNA position 530, G replaced by A.
Protein change: p.Ser177Asn; replaces serine 177 with asparagine.
Molecular consequence: missense variant.
Genome position (GRCh38, 1-based): chr1:247,423,979, G>A. VCF-style: chr1-247423979-G-A. GRCh37 (hg19) VCF-style: chr1-247587281-G-A.
Other names: c.530G>A, p.Ser177Asn (NM_001079821.3, NM_001127461.3, NM_001127462.3 and 1 more transcripts); c.536G>A, p.Ser179Asn (NM_004895.5); short protein forms S179N, S177N.
Identifiers: ClinVar variation 1509736 (VCV001509736.6), dbSNP rs1019344995, ClinGen allele CA40690441.
Genomic context (GRCh38, chr1:247,423,979, plus strand): 5'-GTGAGAGTGTGAGCCTCAACAAACGCTACACACGACTGCGTCTCATCAAGGAGCACCGGA[G>A]CCAGCAGGAGAGGGAGCAGGAGCTTCTGGCCATCGGCAAGACCAAGACGTGTGAGAGCCC-3'
Protein context (NP_001230062.1, residues 167-187): TRLRLIKEHR[Ser177Asn]QQEREQELLA

ClinVar aggregate classification (germline): Uncertain significance (1 of 4 stars; one submission).

Conditions:
Cryopyrin associated periodic syndrome (CAPS). Identifiers: Orphanet 208650, MedGen C2316212, MONDO:0016168.

Allele frequency attached by ClinVar (database versions not stated): gnomAD exomes 0.00002.
gnomAD v4.1: 34 of 1,614,096 alleles (0.0021%); highest among the groups gnomAD compares: Non-Finnish European, 0.0029%; no homozygotes.

Submission:

Labcorp Genetics (formerly Invitae), Labcorp
Classification: Uncertain significance for Cryopyrin associated periodic syndrome. Last evaluated: 2021-10-20. Review status: criteria provided, single submitter. Criteria: Invitae Variant Classification Sherloc (09022015). Collection method: clinical testing. Allele origin: germline.
Comment: This variant has not been reported in the literature in individuals affected with NLRP3-related conditions. This variant is not present in population databases (ExAC no frequency). This sequence change replaces serine with asparagine at codon 179 of the NLRP3 protein (p.Ser179Asn). The serine residue is moderately conserved and there is a small physicochemical difference between serine and asparagine. Algorithms developed to predict the effect of missense changes on protein structure and function output the following: SIFT: "Tolerated"; PolyPhen-2: "Benign"; Align-GVGD: "Class C0". The asparagine amino acid residue is found in multiple mammalian species, which suggests that this missense change does not adversely affect protein function. In summary, the available evidence is currently insufficient to determine the role of this variant in disease. Therefore, it has been classified as a Variant of Uncertain Significance.